The following is an entry in ClinVar:

NM_175634.3(RUNX1T1):c.690dup (p.Glu231fs)

Gene: RUNX1T1 (RUNX1 partner transcriptional co-repressor 1; minus strand). Cytogenetic location: 8q21.3.
Variant type: Duplication.
Coding change: c.690dup on transcript NM_175634.3 (MANE Select); coding-DNA position 690, one base duplicated (A; older notation c.690dupA).
Protein change: p.Glu231fs; shifts the reading frame from glutamic acid 231.
Molecular consequence: frameshift variant.
Genome position (GRCh38, 1-based): chr8:92,005,166, T duplicated on the plus strand (A on the coding strand, the reverse complement: RUNX1T1 is on the minus strand). VCF-style (leftmost placement, unchanged base first): chr8-92005165-C-CT. GRCh37 (hg19) VCF-style: chr8-93017393-C-CT.
Other names: c.609dup, p.Glu204fs (NM_001198625.2, NM_001198632.2, NM_004349.4); c.690dup, p.Glu231fs (NM_001198626.2, NM_001198627.2, NM_001198628.2 and 3 more transcripts); c.630dup, p.Glu211fs (NM_001198633.2); c.723dup, p.Glu242fs (NM_001198634.2); c.867dup, p.Glu290fs (NM_001198679.3); c.774dup, p.Glu259fs (NM_001395209.1); c.579dup, p.Glu194fs (NM_175635.3, NM_175636.2); short protein forms E194fs, E204fs, E211fs, E231fs, E242fs, E259fs, E290fs.
Identifiers: ClinVar variation 3392688 (VCV003392688.1).

ClinVar aggregate classification (germline): Uncertain significance (1 of 4 stars; one submission).

Submission:

GeneDx
Classification: Uncertain significance. Last evaluated: 2024-06-26. Review status: criteria provided, single submitter. Criteria: GeneDx Variant Classification Process June 2021. Collection method: clinical testing. Allele origin: germline. Affected: yes.
Comment: Has not been previously published as pathogenic or benign to our knowledge; Not observed at significant frequency in large population cohorts (gnomAD); Frameshift variant predicted to result in protein truncation or nonsense mediated decay in a gene or region of a gene for which loss of function is not a well-established mechanism of disease; Variants in candidate genes are classified as variants of uncertain significance in accordance with ACMG guidelines (PMID: 25741868)